The following is an entry in ClinVar:

ClinVar aggregate classification (germline): Uncertain significance. Review status: criteria provided, multiple submitters, no conflicts (2 of 4 stars). 2 submissions from 2 submitters: Uncertain significance (2). Last evaluated 2026-04-01.

Conditions:
Citrullinemia. Identifiers: Orphanet 187, MedGen C0175683, MONDO:0015991.

Allele frequency attached by ClinVar (database versions not stated): gnomAD exomes below 0.00001; gnomAD 0.00001; TOPMed 0.00001; ExAC 0.00002.
gnomAD v4.1: 8 of 1,611,892 alleles (0.0005%); highest among the groups gnomAD compares: Admixed American, 0.0017%; no homozygotes.

Submissions (2):

Greenwood Genetic Center Diagnostic Laboratories, Greenwood Genetic Center
Classification: Uncertain significance. Last evaluated: 2026-04-01. Review status: criteria provided, single submitter. Criteria: ACMG Guidelines, 2015. Collection method: clinical testing. Allele origin: germline.
Comment: PM2, PP3

Labcorp Genetics (formerly Invitae), Labcorp
Classification: Uncertain significance for Citrullinemia. Last evaluated: 2022-05-06. Review status: criteria provided, single submitter. Criteria: Invitae Variant Classification Sherloc (09022015). Collection method: clinical testing. Allele origin: germline.
Comment: This sequence change replaces isoleucine, which is neutral and non-polar, with threonine, which is neutral and polar, at codon 61 of the ASS1 protein (p.Ile61Thr). This variant is present in population databases (rs769314825, gnomAD 0.004%). This variant has not been reported in the literature in individuals affected with ASS1-related conditions. Algorithms developed to predict the effect of missense changes on protein structure and function are either unavailable or do not agree on the potential impact of this missense change (SIFT: "Deleterious"; PolyPhen-2: "Benign"; Align-GVGD: "Class C0"). In summary, the available evidence is currently insufficient to determine the role of this variant in disease. Therefore, it has been classified as a Variant of Uncertain Significance.

NM_054012.4(ASS1):c.182T>C (p.Ile61Thr)

Gene: ASS1 (argininosuccinate synthase 1; plus strand). Cytogenetic location: 9q34.11.
Variant type: single nucleotide variant.
Coding change: c.182T>C on transcript NM_054012.4 (MANE Select); coding-DNA position 182, T replaced by C.
Protein change: p.Ile61Thr; replaces isoleucine 61 with threonine.
Molecular consequence: missense variant.
Genome position (GRCh38, 1-based): chr9:130,458,408, T>C. VCF-style: chr9-130458408-T-C. GRCh37 (hg19) VCF-style: chr9-133333795-T-C.
Other names: c.182T>C, p.Ile61Thr (NM_000050.4); short protein forms I61T.
Identifiers: ClinVar variation 2046043 (VCV002046043.2), dbSNP rs769314825, ClinGen allele CA5283194.
Genomic context (GRCh38, chr9:130,458,408, plus strand): 5'-CAGATGGCCCCTGTCCTTGCCTACTTCTTCCTTCTGGGCTCCTCTTCCCGTAGGTGTTCA[T>C]TGAGGATGTCAGCAGGGAGTTTGTGGAGGAGTTCATCTGGCCGGCCATCCAGTCCAGCGC-3'
Protein context (NP_446464.1, residues 51-71): ALKLGAKKVF[Ile61Thr]EDVSREFVEE